The following is an entry in ClinVar:

ClinVar aggregate classification (germline): Uncertain significance (1 of 4 stars; one submission).

Conditions:
Early-infantile DEE. Also called: Ohtahara syndrome; Early infantile epileptic encephalopathy with suppression bursts; Early infantile epileptic encephalopathy. Identifiers: Orphanet 1934, MedGen C0393706, MONDO:0800491.

Submission:

Labcorp Genetics (formerly Invitae), Labcorp
Classification: Uncertain significance for Early-infantile DEE. Last evaluated: 2024-11-11. Review status: criteria provided, single submitter. Criteria: Invitae Variant Classification Sherloc (09022015). Collection method: clinical testing. Allele origin: germline.
Comment: This sequence change replaces proline, which is neutral and non-polar, with serine, which is neutral and polar, at codon 524 of the KCNQ2 protein (p.Pro524Ser). This variant is not present in population databases (gnomAD no frequency). This variant has not been reported in the literature in individuals affected with KCNQ2-related conditions. Invitae Evidence Modeling of protein sequence and biophysical properties (such as structural, functional, and spatial information, amino acid conservation, physicochemical variation, residue mobility, and thermodynamic stability) has been performed for this missense variant. However, the output from this modeling did not meet the statistical confidence thresholds required to predict the impact of this variant on KCNQ2 protein function. In summary, the available evidence is currently insufficient to determine the role of this variant in disease. Therefore, it has been classified as a Variant of Uncertain Significance.

NM_172107.4(KCNQ2):c.1570C>T (p.Pro524Ser)

Gene: KCNQ2 (potassium voltage-gated channel subfamily Q member 2; minus strand). Cytogenetic location: 20q13.33.
Variant type: single nucleotide variant.
Coding change: c.1570C>T on transcript NM_172107.4 (MANE Select); coding-DNA position 1570, C replaced by T.
Protein change: p.Pro524Ser; replaces proline 524 with serine.
Molecular consequence: missense variant.
Genome position (GRCh38, 1-based): chr20:63,414,149, G>A on the plus strand (C>T on the coding strand, the complement: KCNQ2 is on the minus strand). VCF-style: chr20-63414149-G-A. GRCh37 (hg19) VCF-style: chr20-62045502-G-A.
Other names: c.1516C>T, p.Pro506Ser (NM_001382235.1, NM_172106.3); c.1486C>T, p.Pro496Ser (NM_004518.6); c.1477C>T, p.Pro493Ser (NM_172108.5); short protein forms P506S, P493S, P496S, P524S.
Identifiers: ClinVar variation 3720585 (VCV003720585.2).